The following is an entry in ClinVar:

NM_014679.5(CEP57):c.1084G>A (p.Glu362Lys)

Gene: CEP57 (centrosomal protein 57; plus strand). Cytogenetic location: 11q21.
Variant type: single nucleotide variant.
Coding change: c.1084G>A on transcript NM_014679.5 (MANE Select); coding-DNA position 1084, G replaced by A.
Protein change: p.Glu362Lys; replaces glutamic acid 362 with lysine.
Molecular consequence: missense variant.
Genome position (GRCh38, 1-based): chr11:95,827,984, G>A. VCF-style: chr11-95827984-G-A. GRCh37 (hg19) VCF-style: chr11-95561148-G-A.
Other names: c.1057G>A, p.Glu353Lys (NM_001243776.2); c.1006G>A, p.Glu336Lys (NM_001243777.2); c.1003G>A, p.Glu335Lys (NM_001363604.2); c.1084G>A (NM_014679.4); short protein forms E335K, E336K, E353K, E362K.
Identifiers: ClinVar variation 1024278 (VCV001024278.9), dbSNP rs749400630, ClinGen allele CA6239684.

ClinVar aggregate classification (germline): Uncertain significance. Review status: criteria provided, multiple submitters, no conflicts (2 of 4 stars). 2 submissions from 2 submitters: Uncertain significance (2). Last evaluated 2025-09-27.

Conditions:
Inborn genetic diseases. Identifiers: MedGen C0950123, MeSH D030342.
Mosaic variegated aneuploidy syndrome 2 (MVA2). Identifiers: Orphanet 1052, MedGen C3279843, MONDO:0013582, OMIM 614114.

Allele frequency attached by ClinVar (database versions not stated): gnomAD 0.00001; TOPMed 0.00002; gnomAD exomes 0.00003 and 0.00006; ExAC 0.00004.
gnomAD v4.1: 17 of 1,613,832 alleles (0.0011%); highest among the groups gnomAD compares: Admixed American, 0.028%; no homozygotes.

Submissions (2):

Labcorp Genetics (formerly Invitae), Labcorp
Classification: Uncertain significance for Mosaic variegated aneuploidy syndrome 2. Last evaluated: 2025-09-27. Review status: criteria provided, single submitter. Criteria: Invitae Variant Classification Sherloc (09022015). Collection method: clinical testing. Allele origin: germline.
Comment: This sequence change replaces glutamic acid, which is acidic and polar, with lysine, which is basic and polar, at codon 362 of the CEP57 protein (p.Glu362Lys). This variant is present in population databases (rs749400630, gnomAD 0.04%). This variant has not been reported in the literature in individuals affected with CEP57-related conditions. ClinVar contains an entry for this variant (Variation ID: 1024278). Invitae Evidence Modeling of protein sequence and biophysical properties (such as structural, functional, and spatial information, amino acid conservation, physicochemical variation, residue mobility, and thermodynamic stability) indicates that this missense variant is not expected to disrupt CEP57 protein function with a negative predictive value of 80%. In summary, the available evidence is currently insufficient to determine the role of this variant in disease. Therefore, it has been classified as a Variant of Uncertain Significance.

Ambry Genetics
Classification: Uncertain significance for Inborn genetic diseases. Last evaluated: 2025-03-07. Review status: criteria provided, single submitter. Criteria: Ambry Variant Classification Scheme 2023. Collection method: clinical testing. Allele origin: germline.